The following is an entry in ClinVar:

ClinVar aggregate classification (germline): Benign/Likely benign. Review status: criteria provided, multiple submitters, no conflicts (2 of 4 stars). 9 submissions from 9 submitters: Benign (1); Likely benign (7). 1 of the submissions does not count toward it. Last evaluated 2025-12-29.

Conditions:
Ataxia-telangiectasia syndrome (AT). Also called: LOUIS-BAR SYNDROME; Ataxia-telangiectasia, complementation group D; AT, COMPLEMENTATION GROUP C; Ataxia-telangiectasia, complementation group E; Ataxia telangiectasia (A-T); Cerebello-oculocutaneous telangiectasia. Identifiers: Orphanet 100, MedGen C0004135, MONDO:0008840, OMIM 208900.
Familial cancer of breast. Also called: hereditary breast carcinoma; Hereditary breast cancer; BREAST CANCER, FAMILIAL. Identifiers: Orphanet 227535, MedGen C0346153, MONDO:0016419, OMIM 114480. Disease mechanism: loss of function.
Hereditary cancer-predisposing syndrome. Also called: Neoplastic Syndromes, Hereditary; Hereditary Cancer Syndrome; Tumor predisposition; Hereditary neoplastic syndrome. Identifiers: Orphanet 140162, MedGen C0027672, MeSH D009386, MONDO:0015356.

Allele frequency attached by ClinVar (database versions not stated): gnomAD exomes 0.00001 and below 0.00001; TOPMed 0.00001; gnomAD 0.00001.
gnomAD v4.1: 15 of 1,613,910 alleles (0.00093%); highest among the groups gnomAD compares: Admixed American, 0.0067%; no homozygotes.

Submissions (9):

Center for Genomic Medicine, Rigshospitalet, Copenhagen University Hospital
Classification: Likely benign. Last evaluated: 2025-12-29. Review status: criteria provided, single submitter. Criteria: ACMG Guidelines, 2015. Collection method: clinical testing. Allele origin: germline.
Comment: Classification criteria: BP4, BP7

Labcorp Genetics (formerly Invitae), Labcorp
Classification: Likely benign for Ataxia-telangiectasia syndrome. Last evaluated: 2025-12-20. Review status: criteria provided, single submitter. Criteria: Invitae Variant Classification Sherloc (09022015). Collection method: clinical testing. Allele origin: germline.

Myriad Genetics, Inc.
Classification: Benign for Familial cancer of breast. Last evaluated: 2024-05-14. Review status: criteria provided, single submitter. Criteria: Myriad Autosomal Dominant, Autosomal Recessive and X-Linked Classification Criteria (2023). Collection method: clinical testing. Allele origin: unknown.
Comment: This variant is considered benign. This variant is a silent/synonymous amino acid change and it is not expected to impact splicing.

Blueprint Genetics
Classification: Likely benign. Last evaluated: 2022-08-11. Review status: criteria provided, single submitter. Criteria: ACMG Guidelines, 2015. Collection method: clinical testing. Allele origin: germline.

Mendelics
Classification: Likely benign for Ataxia-telangiectasia syndrome. Last evaluated: 2019-05-28. Review status: criteria provided, single submitter. Criteria: Mendelics Assertion Criteria 2017. Collection method: clinical testing. Allele origin: unknown.

GeneDx
Classification: Likely benign. Last evaluated: 2018-10-01. Review status: criteria provided, single submitter. Criteria: GeneDx Variant Classification Process June 2021. Collection method: clinical testing. Allele origin: germline. Affected: yes.

Color Diagnostics, LLC DBA Color Health
Classification: Likely benign for Hereditary cancer-predisposing syndrome. Last evaluated: 2017-04-17. Review status: criteria provided, single submitter. Criteria: ACMG Guidelines, 2015. Collection method: clinical testing. Allele origin: germline.

Ambry Genetics
Classification: Likely benign for Hereditary cancer-predisposing syndrome. Last evaluated: 2015-04-19. Review status: criteria provided, single submitter. Criteria: Ambry Variant Classification Scheme 2023. Collection method: clinical testing. Allele origin: germline.

Department of Pathology and Laboratory Medicine, Sinai Health System
Classification: Likely benign. Review status: no assertion criteria provided. Collection method: clinical testing. Allele origin: unknown. Affected: yes. Study: The Canadian Open Genetics Repository (COGR). Not counted in ClinVar's aggregate classification.
Comment: The ATM p.Asn1183= variant was not identified in the literature nor was it identified in the GeneInsight-COGR, Cosmic, MutDB, ATM-LOVD and LOVD 3.0 database. The variant was identified in dbSNP (ID: rs767377764) â€šÃ„ÃºWith Likely benign alleleâ€šÃ„Ã¹, ClinVar (classified likely benign by Ambry Genetics, GeneDx and Invitae). The variant was identified in control databases in 1 of 246156 chromosomes at a frequency of 0.000004 (Genome Aggregation Consortium Feb 27, 2017). The p.Asn1183= variant is not expected to have clinical significance because it does not result in a change of amino acid and is not located in a known consensus splice site. In addition, in silico or computational prediction software programs (SpliceSiteFinder, MaxEntScan, NNSPLICE, GeneSplicer, HumanSpliceFinder) do not predict a difference in splicing. In summary, based on the above information, this variant meets our laboratory's criteria to be classified as benign.

NM_000051.4(ATM):c.3549T>C (p.Asn1183=)

Gene: ATM (ATM serine/threonine kinase; plus strand). Cytogenetic location: 11q22.3.
Variant type: single nucleotide variant.
Coding change: c.3549T>C on transcript NM_000051.4 (MANE Select); coding-DNA position 3549, T replaced by C.
Protein change: p.Asn1183=; no amino-acid change (asparagine 1183 retained).
Molecular consequence: synonymous variant.
Genome position (GRCh38, 1-based): chr11:108,281,141, T>C. VCF-style: chr11-108281141-T-C. GRCh37 (hg19) VCF-style: chr11-108151868-T-C.
Other names: c.3549T>C, p.Asn1183= (NM_001351834.2).
Identifiers: ClinVar variation 231448 (VCV000231448.26), dbSNP rs767377764, ClinGen allele CA10579111.